The following is an entry in ClinVar:

NM_000298.6(PKLR):c.1066A>G (p.Met356Val)

Gene: PKLR (pyruvate kinase L/R; minus strand). Cytogenetic location: 1q22.
Variant type: single nucleotide variant.
Coding change: c.1066A>G on transcript NM_000298.6 (MANE Select); coding-DNA position 1066, A replaced by G.
Protein change: p.Met356Val; replaces methionine 356 with valine.
Molecular consequence: missense variant.
Genome position (GRCh38, 1-based): chr1:155,294,285, T>C on the plus strand (A>G on the coding strand, the complement: PKLR is on the minus strand). VCF-style: chr1-155294285-T-C. GRCh37 (hg19) VCF-style: chr1-155264076-T-C.
Other names: c.973A>G, p.Met325Val (NM_181871.4); short protein forms M356V, M325V.
Identifiers: ClinVar variation 2731920 (VCV002731920.3), dbSNP rs2525287280, ClinGen allele CA342753376.

ClinVar aggregate classification (germline): Uncertain significance (1 of 4 stars; one submission).

Submission:

Labcorp Genetics (formerly Invitae), Labcorp
Classification: Uncertain significance. Last evaluated: 2024-02-14. Review status: criteria provided, single submitter. Criteria: Invitae Variant Classification Sherloc (09022015). Collection method: clinical testing. Allele origin: germline.
Comment: This sequence change replaces methionine, which is neutral and non-polar, with valine, which is neutral and non-polar, at codon 356 of the PKLR protein (p.Met356Val). This variant is not present in population databases (gnomAD no frequency). This variant has not been reported in the literature in individuals affected with PKLR-related conditions. Advanced modeling of protein sequence and biophysical properties (such as structural, functional, and spatial information, amino acid conservation, physicochemical variation, residue mobility, and thermodynamic stability) performed at Invitae indicates that this missense variant is not expected to disrupt PKLR protein function with a negative predictive value of 80%. In summary, the available evidence is currently insufficient to determine the role of this variant in disease. Therefore, it has been classified as a Variant of Uncertain Significance.